The following is an entry in ClinVar:

ClinVar aggregate classification (germline): Conflicting classifications of pathogenicity. Review status: criteria provided, conflicting classifications (1 of 4 stars). 4 submissions from 4 submitters: Uncertain significance (1); Likely benign (3). Last evaluated 2026-03-14.

Conditions:
PLEC-related disorder. Also called: PLEC-related disorders; PLEC-related condition.
Epidermolysis bullosa simplex, Ogna type (EBS5A). Also called: Pidermolysis bullosa simplex 5A, Ogna type; EPIDERMOLYSIS BULLOSA SIMPLEX 5A, OGNA TYPE. Identifiers: Orphanet 79401, MedGen C0432317, MONDO:0007555, OMIM 131950.
Epidermolysis bullosa simplex 5B, with muscular dystrophy (EBS5B). Also called: Epidermolysis bullosa simplex with muscular dystrophy; EPIDERMOLYSIS BULLOSA SIMPLEX AND LIMB-GIRDLE MUSCULAR DYSTROPHY. Identifiers: Orphanet 257, MedGen C2931072, MONDO:0009181, OMIM 226670.
Epidermolysis bullosa simplex with nail dystrophy (EBS5D). Identifiers: MedGen C4225309, MONDO:0014661, OMIM 616487.
Autosomal recessive limb-girdle muscular dystrophy type 2Q (LGMDR17). Also called: MUSCULAR DYSTROPHY, LIMB-GIRDLE, AUTOSOMAL RECESSIVE 17. Identifiers: Orphanet 254361, MedGen C3150989, MONDO:0013390, OMIM 613723.
Epidermolysis bullosa simplex 5C, with pyloric atresia (EBS5C). Also called: PLEC-Related Epidermolysis Bullosa with Pyloric Atresia; Epidermolysis bullosa simplex with pyloric atresia; PLEC1-Related Epidermolysis Bullosa with Pyloric Atresia. Identifiers: Orphanet 158684, MedGen C2677349, MONDO:0012807, OMIM 612138.

Allele frequency attached by ClinVar (database versions not stated): TOPMed 0.00032; ESP Exome Variant Server 0.00034; gnomAD 0.00034 and 0.00032; gnomAD exomes 0.00010; ExAC 0.00014; 1000 Genomes Project 30x 0.00016.
gnomAD v4.1: 185 of 1,598,076 alleles (0.012%); highest among the groups gnomAD compares: African/African-American, 0.094%; no homozygotes.

Submissions (4):

PreventionGenetics, part of Exact Sciences
Classification: Uncertain significance for PLEC-related condition. Last evaluated: 2026-03-14. Review status: criteria provided, single submitter. Criteria: ACMG Guidelines, 2015. Collection method: clinical testing. Allele origin: germline.
Comment: The PLEC c.6464G>A variant is predicted to result in the amino acid substitution p.Arg2155Gln. To our knowledge, this variant has not been reported in the literature. This variant is reported in 0.11% of alleles in individuals of African descent in gnomAD. Although we suspect that this variant may be benign, at this time, the clinical significance of this variant is uncertain due to the absence of conclusive functional and genetic evidence.

Labcorp Genetics (formerly Invitae), Labcorp
Classification: Likely benign for Autosomal recessive limb-girdle muscular dystrophy type 2Q; Epidermolysis bullosa simplex, Ogna type; Epidermolysis bullosa simplex with nail dystrophy; Epidermolysis bullosa simplex 5C, with pyloric atresia; Epidermolysis bullosa simplex 5B, with muscular dystrophy. Last evaluated: 2025-04-17. Review status: criteria provided, single submitter. Criteria: Invitae Variant Classification Sherloc (09022015). Collection method: clinical testing. Allele origin: germline.

Mayo Clinic Laboratories, Mayo Clinic
Classification: Likely benign. Last evaluated: 2025-03-05. Review status: criteria provided, single submitter. Criteria: ACMG Guidelines, 2015. Collection method: clinical testing. Allele origin: germline. Observed: 1 variant allele.
Comment: BS1, BP4_moderate

Blueprint Genetics
Classification: Likely benign. Last evaluated: 2023-11-21. Review status: criteria provided, single submitter. Criteria: ACMG Guidelines, 2015. Collection method: clinical testing. Allele origin: germline.

NM_201384.3(PLEC):c.6383G>A (p.Arg2128Gln)

Gene: PLEC (plectin; minus strand). Cytogenetic location: 8q24.3.
Variant type: single nucleotide variant.
Coding change: c.6383G>A on transcript NM_201384.3 (MANE Select); coding-DNA position 6383, G replaced by A.
Protein change: p.Arg2128Gln; replaces arginine 2128 with glutamine.
Molecular consequence: missense variant.
Genome position (GRCh38, 1-based): chr8:143,923,546, C>T on the plus strand (G>A on the coding strand, the complement: PLEC is on the minus strand). VCF-style: chr8-143923546-C-T. GRCh37 (hg19) VCF-style: chr8-144997714-C-T.
Other names: p.Arg2155Gln; c.6464G>A, p.Arg2155Gln (NM_000445.5); c.6341G>A, p.Arg2114Gln (NM_201378.4); c.6317G>A, p.Arg2106Gln (NM_201379.3); c.6794G>A, p.Arg2265Gln (NM_201380.4); c.6287G>A, p.Arg2096Gln (NM_201381.3); c.6383G>A, p.Arg2128Gln (NM_201382.4); c.6395G>A, p.Arg2132Gln (NM_201383.3); short protein forms R2106Q, R2114Q, R2155Q, R2265Q, R2128Q, R2096Q, R2132Q.
Identifiers: ClinVar variation 538959 (VCV000538959.10), dbSNP rs201895791, ClinGen allele CA4926015.
Genomic context (GRCh38, chr8:143,923,546, plus strand): 5'-CGCGCCGCCTCTTGCTCGGCCTCCTTGCGCAGCTTCTCTGCAGCCGCCTGTGCCTGAGCC[C>T]GGGCCTGTGCCTGCTCCTCTGCCGACTGCTTCAGCCGCTCGGCCTCTTCCACCTGCCGCC-3'
Protein context (NP_958786.1, residues 2118-2138): KQSAEEQAQA[Arg2128Gln]AQAQAAAEKL